The following is an entry in ClinVar:

ClinVar aggregate classification (germline): Pathogenic. Review status: criteria provided, multiple submitters, no conflicts (2 of 4 stars). 3 submissions from 3 submitters: Pathogenic (2). 1 of the submissions does not count toward it. Last evaluated 2024-07-01.

Conditions:
Familial adenomatous polyposis 1 (FAP1). Also called: FAMILIAL ADENOMATOUS POLYPOSIS 1, ATTENUATED; POLYPOSIS, ADENOMATOUS INTESTINAL. Identifiers: MedGen C2713442, MONDO:0021056, OMIM 175100. Disease mechanism: loss of function.

Submissions (3):

Labcorp Genetics (formerly Invitae), Labcorp
Classification: Pathogenic for Familial adenomatous polyposis 1. Last evaluated: 2024-07-01. Review status: criteria provided, single submitter. Criteria: Invitae Variant Classification Sherloc (09022015). Collection method: clinical testing. Allele origin: germline.
Comment: This sequence change creates a premature translational stop signal (p.Leu478*) in the APC gene. It is expected to result in an absent or disrupted protein product. Loss-of-function variants in APC are known to be pathogenic (PMID: 17963004, 20685668). This variant is not present in population databases (gnomAD no frequency). This premature translational stop signal has been observed in individual(s) with APC-related conditions (PMID: 23159591). ClinVar contains an entry for this variant (Variation ID: 217928). For these reasons, this variant has been classified as Pathogenic.

Myriad Genetics, Inc.
Classification: Pathogenic for Familial adenomatous polyposis 1. Last evaluated: 2023-05-01. Review status: criteria provided, single submitter. Criteria: Myriad Autosomal Dominant, Autosomal Recessive and X-Linked Classification Criteria (2023). Collection method: clinical testing. Allele origin: unknown.
Comment: This variant is considered pathogenic. This variant creates a termination codon and is predicted to result in premature protein truncation.

Mayo Clinic Laboratories, Mayo Clinic
Classification: Likely pathogenic. Review status: no assertion criteria provided. Collection method: research. Allele origin: unknown. Observed: 1 variant allele. Not counted in ClinVar's aggregate classification.

Literature cited by the submitters: PubMed 17963004 (cited by Labcorp Genetics (formerly Invitae), Labcorp); PubMed 20685668 (cited by Labcorp Genetics (formerly Invitae), Labcorp); PubMed 23159591 (cited by Labcorp Genetics (formerly Invitae), Labcorp).

NM_000038.6(APC):c.1433T>G (p.Leu478Ter)

Gene: APC (APC regulator of Wnt signaling pathway; plus strand). Cytogenetic location: 5q22.2.
Variant type: single nucleotide variant.
Coding change: c.1433T>G on transcript NM_000038.6 (MANE Select); coding-DNA position 1433, T replaced by G.
Protein change: p.Leu478Ter; replaces leucine 478 with a stop codon.
Molecular consequence: nonsense.
Genome position (GRCh38, 1-based): chr5:112,827,132, T>G. VCF-style: chr5-112827132-T-G. GRCh37 (hg19) VCF-style: chr5-112162829-T-G.
Other names: c.1433T>G, p.Leu478Ter (NM_001127510.3, NM_001354895.2); c.1379T>G, p.Leu460Ter (NM_001127511.3); c.1487T>G, p.Leu496Ter (NM_001354896.2); c.1463T>G, p.Leu488Ter (NM_001354897.2); c.1358T>G, p.Leu453Ter (NM_001354898.2); c.1349T>G, p.Leu450Ter (NM_001354899.2); c.1310T>G, p.Leu437Ter (NM_001354900.2); c.1256T>G, p.Leu419Ter (NM_001354901.2); and 5 more; short protein forms L460*, L478*, L195*, L318*, L437*, L450*, L352*, L387*.
Identifiers: ClinVar variation 217928 (VCV000217928.8), dbSNP rs863225314, ClinGen allele CA279696.
Genomic context (GRCh38, chr5:112,827,132, plus strand): 5'-ATGATTGTCTTTTTCCTCTTGCCCTTTTTAAATTAGGGGGACTACAGGCCATTGCAGAAT[T>G]ATTGCAAGTGGACTGTGAAATGTATGGGCTTACTAATGACCACTACAGTATTACACTAAG-3'